The following is an entry in ClinVar:

NM_005006.7(NDUFS1):c.348G>A (p.Val116=)

Gene: NDUFS1 (NADH:ubiquinone oxidoreductase core subunit S1; minus strand). Cytogenetic location: 2q33.3.
Variant type: single nucleotide variant.
Coding change: c.348G>A on transcript NM_005006.7 (MANE Select); coding-DNA position 348, G replaced by A.
Protein change: p.Val116=; no amino-acid change (valine 116 retained).
Molecular consequence: synonymous variant.
Genome position (GRCh38, 1-based): chr2:206,147,825, C>T on the plus strand (G>A on the coding strand, the complement: NDUFS1 is on the minus strand). VCF-style: chr2-206147825-C-T. GRCh37 (hg19) VCF-style: chr2-207012549-C-T.
Other names: c.240G>A, p.Val80= (NM_001199981.2); c.15G>A, p.Val5= (NM_001199982.2); c.177G>A, p.Val59= (NM_001199983.2); c.390G>A, p.Val130= (NM_001199984.2); c.348G>A (NM_005006.6).
Identifiers: ClinVar variation 380967 (VCV000380967.13), dbSNP rs145868302, ClinGen allele CA2070798.
Genomic context (GRCh38, chr2:206,147,825, plus strand): 5'-TTCACCTCCCTGGTCACAAATAGGACAGTCCAATGGGTGATTTGCTAATAAGAACTCCAT[C>T]ACACCTTCCCTGTATGAAAATTGTAACATATAAAATGACTCTCAAATACACACACACTGA-3'
Protein context (NP_004997.4, residues 106-126): SEKSKKAREG[Val116=]MEFLLANHPL

ClinVar aggregate classification (germline): Likely benign. Review status: criteria provided, multiple submitters, no conflicts (2 of 4 stars). 3 submissions from 3 submitters: Likely benign (2). 1 of the submissions does not count toward it. Last evaluated 2026-01-14.

Conditions:
NDUFS1-related disorder. Also called: NDUFS1-related condition.

Allele frequency attached by ClinVar (database versions not stated): gnomAD exomes 0.00004 and 0.00006; ExAC 0.00007; ESP Exome Variant Server 0.00015; 1000 Genomes Project 0.00020; 1000 Genomes Project 30x 0.00031; gnomAD 0.00035 and 0.00036; TOPMed 0.00042.
gnomAD v4.1: 115 of 1,613,584 alleles (0.0071%); highest among the groups gnomAD compares: African/African-American, 0.14%; no homozygotes.

Submissions (3):

Labcorp Genetics (formerly Invitae), Labcorp
Classification: Likely benign. Last evaluated: 2026-01-14. Review status: criteria provided, single submitter. Criteria: Invitae Variant Classification Sherloc (09022015). Collection method: clinical testing. Allele origin: germline.

GeneDx
Classification: Likely benign. Last evaluated: 2020-01-13. Review status: criteria provided, single submitter. Criteria: GeneDx Variant Classification Process June 2021. Collection method: clinical testing. Allele origin: germline. Affected: yes.

PreventionGenetics, part of Exact Sciences
Classification: Likely benign for NDUFS1-related condition. Last evaluated: 2021-10-26. Review status: no assertion criteria provided. Collection method: clinical testing. Allele origin: germline. Not counted in ClinVar's aggregate classification.
Comment: This variant is classified as likely benign based on ACMG/AMP sequence variant interpretation guidelines (Richards et al. 2015 PMID: 25741868, with internal and published modifications).